The following is an entry in ClinVar:

NC_000012.11:g.(?_133201283)_(133225668_?)del

Gene: POLE (DNA polymerase epsilon, catalytic subunit; minus strand). Cytogenetic location: 12q24.33.
Variant type: Deletion.
Identifiers: ClinVar variation 1007749 (VCV001007749.5).

ClinVar aggregate classification (germline): Uncertain significance (1 of 4 stars; one submission).

Submission:

Labcorp Genetics (formerly Invitae), Labcorp
Classification: Uncertain significance. Last evaluated: 2020-02-11. Review status: criteria provided, single submitter. Criteria: Invitae Variant Classification Sherloc (09022015). Collection method: clinical testing. Allele origin: germline.
Comment: In summary, the available evidence is currently insufficient to determine the role of this variant in disease. Therefore, it has been classified as a Variant of Uncertain Significance. This variant has not been reported in the literature in individuals with POLE-related conditions. This variant is a gross deletion of the genomic region encompassing exons 32-49 of the POLE gene. The 5' boundary is likely confined to intron 31. The 3' end of this event is unknown as it extends through the termination codon beyond the assayed region for this gene and may encompass additional genes. While this deletion is not anticipated to result in nonsense mediated decay, it is expected to create a truncated protein product or disrupt mRNA translation.